The following is an entry in ClinVar:

NM_001365951.3(KIF1B):c.1096G>A (p.Ala366Thr)

Gene: KIF1B (kinesin family member 1B; plus strand). Cytogenetic location: 1p36.22.
Variant type: single nucleotide variant.
Coding change: c.1096G>A on transcript NM_001365951.3 (MANE Select); coding-DNA position 1096, G replaced by A.
Protein change: p.Ala366Thr; replaces alanine 366 with threonine.
Molecular consequence: missense variant.
Genome position (GRCh38, 1-based): chr1:10,278,044, G>A. VCF-style: chr1-10278044-G-A. GRCh37 (hg19) VCF-style: chr1-10338102-G-A.
Other names: c.1078G>A, p.Ala360Thr (NM_001365953.1, NM_015074.3, NM_183416.4); c.1096G>A, p.Ala366Thr (NM_001365952.1); short protein forms A366T, A360T.
Identifiers: ClinVar variation 4841883 (VCV004841883.1).

ClinVar aggregate classification (germline): Uncertain significance (1 of 4 stars; one submission).

Submission:

Ambry Genetics
Classification: Uncertain significance. Last evaluated: 2025-12-28. Review status: criteria provided, single submitter. Criteria: Ambry Variant Classification Scheme 2023. Collection method: clinical testing. Allele origin: germline.
Comment: The p.A360T variant (also known as c.1078G>A), located in coding exon 11 of the KIF1B gene, results from a G to A substitution at nucleotide position 1078. The alanine at codon 360 is replaced by threonine, an amino acid with similar properties. This amino acid position is conserved. In addition, the in silico prediction for this alteration is inconclusive. Based on the available evidence, the clinical significance of this variant remains unclear.